The following is an entry in ClinVar:

ClinVar aggregate classification (germline): Uncertain significance. Review status: criteria provided, multiple submitters, no conflicts (2 of 4 stars). 4 submissions from 4 submitters: Uncertain significance (4). Last evaluated 2026-02-22.

Conditions:
Hypertrophic cardiomyopathy 9. Also called: Familial hypertrophic cardiomyopathy 9. Identifiers: MedGen C1861065, MONDO:0013412, OMIM 613765.
Dilated cardiomyopathy 1G (CMD1G). Identifiers: Orphanet 154, MedGen C1858763, MONDO:0011400, OMIM 604145.
TTN-related disorder. Also called: TTN-related disorders; TTN-related condition; TTN-related disease.

Allele frequency attached by ClinVar (database versions not stated): gnomAD 0.00005 and 0.00006; TOPMed 0.00015.
gnomAD v4.1: 17 of 1,613,734 alleles (0.0011%); highest among the groups gnomAD compares: Admixed American, 0.02%; no homozygotes.

Submissions (4):

PreventionGenetics, part of Exact Sciences
Classification: Uncertain significance for TTN-related condition. Last evaluated: 2026-02-22. Review status: criteria provided, single submitter. Criteria: ACMG Guidelines, 2015. Collection method: clinical testing. Allele origin: germline.
Comment: The TTN c.15148G>T variant is predicted to result in the amino acid substitution p.Gly5050Trp. To our knowledge, this variant has not been reported in the literature or in a large population database (gnomAD), indicating this variant is rare. At this time, the clinical significance of this variant is uncertain due to the absence of conclusive functional and genetic evidence.

New York Genome Center
Classification: Uncertain significance for Hypertrophic cardiomyopathy 9; Dilated cardiomyopathy 1G. Last evaluated: 2022-05-11. Review status: criteria provided, single submitter. Criteria: NYGC Assertion Criteria 2020. Collection method: clinical testing. Allele origin: germline. Observed: 1 heterozygote.

GeneDx
Classification: Uncertain significance. Last evaluated: 2019-04-25. Review status: criteria provided, single submitter. Criteria: GeneDx Variant Classification Process June 2021. Collection method: clinical testing. Allele origin: germline. Affected: yes.
Comment: Not observed at a significant frequency in large population cohorts (Lek et al., 2016); Missense variant in a gene in which most reported pathogenic variants are truncating; Has not been previously published as pathogenic or benign to our knowledge

Athena Diagnostics
Classification: Uncertain significance. Last evaluated: 2018-11-19. Review status: criteria provided, single submitter. Criteria: Athena Diagnostics Criteria. Collection method: clinical testing. Allele origin: germline.

NM_001267550.2(TTN):c.15148G>T (p.Gly5050Trp)

Gene: TTN (titin; minus strand). Cytogenetic location: 2q31.2.
Variant type: single nucleotide variant.
Coding change: c.15148G>T on transcript NM_001267550.2 (MANE Select); coding-DNA position 15148, G replaced by T.
Protein change: p.Gly5050Trp; replaces glycine 5050 with tryptophan.
Molecular consequence: missense variant. On other transcripts: intron variant (3).
Genome position (GRCh38, 1-based): chr2:178,734,776, C>A on the plus strand (G>T on the coding strand, the complement: TTN is on the minus strand). VCF-style: chr2-178734776-C-A. GRCh37 (hg19) VCF-style: chr2-179599503-C-A.
Other names: c.14197G>T, p.Gly4733Trp (NM_001256850.1); c.11416G>T, p.Gly3806Trp (NM_133378.4); c.13282+3306G>T (NM_003319.4); c.13858+3306G>T (NM_133437.4); c.13657+3306G>T (NM_133432.3); short protein forms G3806W, G4733W, G5050W.
Identifiers: ClinVar variation 805703 (VCV000805703.8), dbSNP rs908686601, ClinGen allele CA60981536.